The following is an entry in ClinVar:

NM_000540.3(RYR1):c.8959G>C (p.Glu2987Gln)

Gene: RYR1 (ryanodine receptor 1; plus strand). Cytogenetic location: 19q13.2.
Variant type: single nucleotide variant.
Coding change: c.8959G>C on transcript NM_000540.3 (MANE Select); coding-DNA position 8959, G replaced by C.
Protein change: p.Glu2987Gln; replaces glutamic acid 2987 with glutamine.
Molecular consequence: missense variant.
Genome position (GRCh38, 1-based): chr19:38,510,524, G>C. VCF-style: chr19-38510524-G-C. GRCh37 (hg19) VCF-style: chr19-39001164-G-C.
Other names: c.8959G>C, p.Glu2987Gln (NM_001042723.2); short protein forms E2987Q.
Identifiers: ClinVar variation 590622 (VCV000590622.13), dbSNP rs368065870, ClinGen allele CA072992.

ClinVar aggregate classification (germline): Uncertain significance. Review status: criteria provided, multiple submitters, no conflicts (2 of 4 stars). 5 submissions from 5 submitters: Uncertain significance (4). 1 of the submissions does not count toward it. Last evaluated 2024-10-30.

Conditions:
RYR1-related disorder. Also called: RYR1-related disorders; RYR1-related condition. Identifiers: MedGen CN239331.
Malignant hyperthermia, susceptibility to, 1 (MHS1). Also called: Anesthesia related hyperthermia; Malignant hyperpyrexia; Fulminating hyperpyrexia; Pharmacogenic myopathy; RYR1-Related Malignant Hyperthermia Susceptibility; Malignant hyperthermia suceptibility 1. Identifiers: Orphanet 423, MedGen C2930980, MONDO:0007783, OMIM 145600.

Allele frequency attached by ClinVar (database versions not stated): gnomAD exomes 0.00003 and 0.00006; gnomAD 0.00006 and 0.00007; ExAC 0.00009; TOPMed 0.00009; ESP Exome Variant Server 0.00015.

Submissions (5):

Labcorp Genetics (formerly Invitae), Labcorp
Classification: Uncertain significance for RYR1-related disorder. Last evaluated: 2024-10-30. Review status: criteria provided, single submitter. Criteria: Invitae Variant Classification Sherloc (09022015). Collection method: clinical testing. Allele origin: germline.
Comment: This sequence change replaces glutamic acid, which is acidic and polar, with glutamine, which is neutral and polar, at codon 2987 of the RYR1 protein (p.Glu2987Gln). This variant is present in population databases (rs368065870, gnomAD 0.01%). This variant has not been reported in the literature in individuals affected with RYR1-related conditions. ClinVar contains an entry for this variant (Variation ID: 590622). Invitae Evidence Modeling of protein sequence and biophysical properties (such as structural, functional, and spatial information, amino acid conservation, physicochemical variation, residue mobility, and thermodynamic stability) indicates that this missense variant is not expected to disrupt RYR1 protein function with a negative predictive value of 80%. Algorithms developed to predict the effect of sequence changes on RNA splicing suggest that this variant may disrupt the consensus splice site. In summary, the available evidence is currently insufficient to determine the role of this variant in disease. Therefore, it has been classified as a Variant of Uncertain Significance.

GeneDx
Classification: Uncertain significance. Last evaluated: 2024-04-24. Review status: criteria provided, single submitter. Criteria: GeneDx Variant Classification Process June 2021. Collection method: clinical testing. Allele origin: germline. Affected: yes.
Comment: Not observed at significant frequency in large population cohorts (gnomAD); In silico analysis indicates that this missense variant does not alter protein structure/function; Has not been previously published as pathogenic or benign to our knowledge; This variant is associated with the following publications: (PMID: 32236737, 12668474)

Revvity Omics, Revvity
Classification: Uncertain significance. Last evaluated: 2024-01-18. Review status: criteria provided, single submitter. Criteria: ACMG Guidelines, 2015. Collection method: clinical testing. Allele origin: germline.

Color Diagnostics, LLC DBA Color Health
Classification: Uncertain significance for Malignant hyperthermia, susceptibility to, 1. Last evaluated: 2023-11-29. Review status: criteria provided, single submitter. Criteria: ACMG Guidelines, 2015. Collection method: clinical testing. Allele origin: germline.
Comment: This missense variant replaces glutamic acid with glutamine at codon 2987 of the RYR1 protein. Computational prediction suggests that this variant may not impact protein structure and function. To our knowledge, functional studies have not been reported for this variant. This variant has not been reported in individuals affected with RYR1-related disorders in the literature. This variant has been identified in 15/251488 chromosomes in the general population by the Genome Aggregation Database (gnomAD). The available evidence is insufficient to determine the role of this variant in disease conclusively. Therefore, this variant is classified as a Variant of Uncertain Significance.

PreventionGenetics, part of Exact Sciences
Classification: Uncertain significance for RYR1-related condition. Last evaluated: 2024-02-07. Review status: no assertion criteria provided. Collection method: clinical testing. Allele origin: germline. Not counted in ClinVar's aggregate classification.
Comment: The RYR1 c.8959G>C variant is predicted to result in the amino acid substitution p.Glu2987Gln. To our knowledge, this variant has not been reported in the literature. This variant is reported in 0.0098% of alleles in individuals of South Asian descent in gnomAD. At this time, the clinical significance of this variant is uncertain due to the absence of conclusive functional and genetic evidence.